The following is an entry in ClinVar:

NM_001267550.2(TTN):c.914+4A>C

Gene: TTN (titin; minus strand). Cytogenetic location: 2q31.2.
Variant type: single nucleotide variant.
Coding change: c.914+4A>C on transcript NM_001267550.2 (MANE Select); 4 bases into the intron after coding-DNA position 914, A replaced by C.
Molecular consequence: intron variant.
Genome position (GRCh38, 1-based): chr2:178,799,483, T>G on the plus strand (A>C on the coding strand, the complement: TTN is on the minus strand). VCF-style: chr2-178799483-T-G. GRCh37 (hg19) VCF-style: chr2-179664210-T-G.
Other names: c.914+4A>C (NM_003319.4, NM_133437.4, NM_133432.3 and 3 more transcripts).
Identifiers: ClinVar variation 2149651 (VCV002149651.4), dbSNP rs1222534200, ClinGen allele CA538099641.

ClinVar aggregate classification (germline): Uncertain significance (1 of 4 stars; one submission).

Conditions:
Autosomal recessive limb-girdle muscular dystrophy type 2J (LGMDR10). Also called: Limb-girdle muscular dystrophy, type 2J; MUSCULAR DYSTROPHY, LIMB-GIRDLE, AUTOSOMAL RECESSIVE 10. Identifiers: Orphanet 140922, MedGen C1837342, MONDO:0012127, OMIM 608807.
Dilated cardiomyopathy 1G (CMD1G). Identifiers: Orphanet 154, MedGen C1858763, MONDO:0011400, OMIM 604145.

gnomAD v4.1: 1 of 1,614,138 alleles (0.000062%); highest among the groups gnomAD compares: Admixed American, 0.0017%; no homozygotes.

Submission:

Labcorp Genetics (formerly Invitae), Labcorp
Classification: Uncertain significance for Dilated cardiomyopathy 1G; Autosomal recessive limb-girdle muscular dystrophy type 2J. Last evaluated: 2024-04-08. Review status: criteria provided, single submitter. Criteria: Invitae Variant Classification Sherloc (09022015). Collection method: clinical testing. Allele origin: germline.
Comment: This sequence change falls in intron 6 of the TTN gene. It does not directly change the encoded amino acid sequence of the TTN protein. It affects a nucleotide within the consensus splice site. This variant is present in population databases (no rsID available, gnomAD 0.003%). This variant has not been reported in the literature in individuals affected with TTN-related conditions. ClinVar contains an entry for this variant (Variation ID: 2149651). Variants that disrupt the consensus splice site are a relatively common cause of aberrant splicing (PMID: 17576681, 9536098). Algorithms developed to predict the effect of sequence changes on RNA splicing suggest that this variant is not likely to affect RNA splicing. This variant is located in the Z band of TTN (PMID: 25589632). Non-truncating variants in this region may be clinically relevant, but have not been definitively shown to cause cardiomyopathy or neuromuscular disease (PMID: 27493940, 32778822). In summary, the available evidence is currently insufficient to determine the role of this variant in disease. Therefore, it has been classified as a Variant of Uncertain Significance.

Literature cited by the submitters: PubMed 17576681; PubMed 9536098; PubMed 25589632; PubMed 27493940; PubMed 32778822.